The following is an entry in ClinVar:

ClinVar aggregate classification (germline): Uncertain significance (1 of 4 stars; one submission).

Conditions:
ILDR1-related disorder. Also called: ILDR1-related condition.

gnomAD v4.1: 21 of 1,581,480 alleles (0.0013%); highest among the groups gnomAD compares: African/African-American, 0.012%; no homozygotes.

Submission:

PreventionGenetics, part of Exact Sciences
Classification: Uncertain significance for ILDR1-related condition. Last evaluated: 2025-07-20. Review status: criteria provided, single submitter. Criteria: ACMG Guidelines, 2015. Collection method: clinical testing. Allele origin: germline.
Comment: The ILDR1 c.1599G>A variant is not predicted to result in an amino acid change (p.=). This variant is predicted to alter splicing based on available splicing prediction software (SpliceAI, Jaganathan et al. 2019. PubMed ID: 30661751). However, the use of computer prediction softwares is not equivalent to functional evidence. To our knowledge, this variant has not been reported in the literature. This variant is reported in 0.014% of alleles in individuals of African descent in gnomAD, which may be higher than expected for disease causing variant. Although we suspect that this variant may be benign, at this time, the clinical significance of this variant is uncertain due to the absence of conclusive functional and genetic evidence.

NM_001199799.2(ILDR1):c.1599G>A (p.Ser533=)

Gene: ILDR1 (immunoglobulin like domain containing receptor 1; minus strand). Cytogenetic location: 3q13.33.
Variant type: single nucleotide variant.
Coding change: c.1599G>A on transcript NM_001199799.2 (MANE Select); coding-DNA position 1599, G replaced by A.
Protein change: p.Ser533=; no amino-acid change (serine 533 retained).
Molecular consequence: synonymous variant.
Genome position (GRCh38, 1-based): chr3:121,993,150, C>T on the plus strand (G>A on the coding strand, the complement: ILDR1 is on the minus strand). VCF-style: chr3-121993150-C-T. GRCh37 (hg19) VCF-style: chr3-121711997-C-T.
Other names: c.1332G>A, p.Ser444= (NM_001199800.2); c.1467G>A, p.Ser489= (NM_175924.4).
Identifiers: ClinVar variation 4979052 (VCV004979052.1).